The following is an entry in ClinVar:

ClinVar aggregate classification (germline): Pathogenic (1 of 4 stars; one submission).

Conditions:
Short-rib thoracic dysplasia 14 with polydactyly (SRTD14). Identifiers: Orphanet 397715, MedGen C4225286, MONDO:0014688, OMIM 616546.
Joubert syndrome 23 (JBTS23). Identifiers: Orphanet 475, MedGen C4084822, MONDO:0014664, OMIM 616490.

Submission:

Labcorp Genetics (formerly Invitae), Labcorp
Classification: Pathogenic for Joubert syndrome 23; Short-rib thoracic dysplasia 14 with polydactyly. Last evaluated: 2020-10-11. Review status: criteria provided, single submitter. Criteria: Invitae Variant Classification Sherloc (09022015). Collection method: clinical testing. Allele origin: germline.
Comment: For these reasons, this variant has been classified as Pathogenic. Loss-of-function variants in KIAA0586 are known to be pathogenic (PMID: 26096313, 26166481, 26386044). This variant has not been reported in the literature in individuals with KIAA0586-related conditions. This variant is not present in population databases (ExAC no frequency). This sequence change creates a premature translational stop signal (p.Lys542Argfs*6) in the KIAA0586 gene. It is expected to result in an absent or disrupted protein product.

Literature cited by the submitters: PubMed 26096313; PubMed 26166481; PubMed 26386044.

NM_001329943.3(KIAA0586):c.1466_1476del (p.Lys489fs)

Gene: KIAA0586 (KIAA0586; plus strand). Cytogenetic location: 14q23.1.
Variant type: Deletion.
Coding change: c.1466_1476del on transcript NM_001329943.3 (MANE Select); coding-DNA positions 1466 to 1476, 11 bases deleted (AGATTTTGAGA).
Protein change: p.Lys489fs; shifts the reading frame from lysine 489.
Molecular consequence: frameshift variant.
Genome position (GRCh38, 1-based): chr14:58,457,862-58,457,872, AGATTTTGAGA deleted; deleting any 11 consecutive bases within chr14:58,457,857-58,457,872 gives the same sequence; the c. name uses the placement nearest the transcript's 3' end. VCF-style (leftmost placement, unchanged base first): chr14-58457856-CTGAGAAGATTT-C. GRCh37 (hg19) VCF-style: chr14-58924574-CTGAGAAGATTT-C.
Other names: c.1625_1635del, p.Lys542fs (NM_001244189.2); c.1421_1431del, p.Lys474fs (NM_001244190.2); c.1211_1221del, p.Lys404fs (NM_001244191.2, NM_001329945.2, NM_001364700.1 and 1 more transcripts); c.1334_1344del, p.Lys445fs (NM_001244192.2); c.1046_1056del, p.Lys349fs (NM_001244193.2); c.1466_1476del, p.Lys489fs (NM_001329944.2, NM_001329946.2, NM_001329947.2 and 1 more transcripts); short protein forms K349fs, K404fs, K445fs, K474fs, K489fs, K542fs.
Identifiers: ClinVar variation 1068589 (VCV001068589.7), dbSNP rs2140844892, ClinGen allele CA2499222649.